The following is an entry in ClinVar:

NM_002693.3(POLG):c.3523C>T (p.Gln1175Ter)

Gene: POLG (DNA polymerase gamma, catalytic subunit; minus strand). Cytogenetic location: 15q26.1.
Variant type: single nucleotide variant.
Coding change: c.3523C>T on transcript NM_002693.3 (MANE Select); coding-DNA position 3523, C replaced by T.
Protein change: p.Gln1175Ter; replaces glutamine 1175 with a stop codon.
Molecular consequence: nonsense.
Genome position (GRCh38, 1-based): chr15:89,317,496, G>A on the plus strand (C>T on the coding strand, the complement: POLG is on the minus strand). VCF-style: chr15-89317496-G-A. GRCh37 (hg19) VCF-style: chr15-89860727-G-A.
Other names: NM_002693.2(POLG):c.3523C>T; p.Gln1175Ter; c.3523C>T, p.Gln1175Ter (NM_001126131.2); short protein forms Q1175*.
Identifiers: ClinVar variation 566733 (VCV000566733.3), dbSNP rs1567184117, ClinGen allele CA393747895.

ClinVar aggregate classification (germline): Likely pathogenic. Review status: reviewed by expert panel (3 of 4 stars). 2 submissions from 2 submitters: Likely pathogenic (1). 1 of the submissions does not count toward it. Last evaluated 2021-05-23.

Conditions:
Mitochondrial disease. Also called: Mitochondrial disorder; Mitochondrial disorders. Identifiers: Orphanet 68380, MedGen C0751651, MeSH D028361, MONDO:0044970.
Progressive sclerosing poliodystrophy (MTDPS4A). Also called: ALPERS PROGRESSIVE INFANTILE POLIODYSTROPHY; NEURONAL DEGENERATION OF CHILDHOOD WITH LIVER DISEASE, PROGRESSIVE; Alpers Syndrome; Mitochondrial DNA depletion syndrome 4A (Alpers type); Mitochondrial DNA Depletion Syndrome 4A; Alpers-Huttenlocher Syndrome (AHS). Identifiers: Orphanet 726, MedGen C0205710, MONDO:0008758, OMIM 203700.

Allele frequency attached by ClinVar (database versions not stated): gnomAD exomes below 0.00001.

Submissions (2):

ClinGen Mitochondrial Disease Nuclear and Mitochondrial  Variant Curation Expert Panel, ClinGen
Classification: Likely pathogenic for Mitochondrial disease. Last evaluated: 2021-05-23. Review status: reviewed by expert panel. Criteria: clingen mito disease acmg specifications v1-1. Collection method: curation. Allele origin: germline. Inheritance: Autosomal recessive inheritance.
Comment: The c.3523 C>T (p.Gln1175Ter) variant in POLG is not in any databases (PM2). There are no publications of cases with this variant and there is no computational evidence available. This variant is a loss of function which predicts a premature stop codon (PVS1). In summary, this variant meets criteria to be classified as likely pathogenic for mitochondrial disease inherited in an autosomal recessive manner. ntDNA ACMG/AMP criteria for POLG applied: PVS1, PM2.

Labcorp Genetics (formerly Invitae), Labcorp
Classification: Pathogenic for Progressive sclerosing poliodystrophy. Last evaluated: 2017-05-23. Review status: criteria provided, single submitter. Criteria: Invitae Variant Classification Sherloc (09022015). Collection method: clinical testing. Allele origin: germline. Not counted in ClinVar's aggregate classification.
Comment: This sequence change creates a premature translational stop signal (p.Gln1175*) in the POLG gene. It is expected to result in an absent or disrupted protein product. This variant is not present in population databases (ExAC no frequency). This variant has not been reported in the literature in individuals with a POLG-related disease. Loss-of-function variants in POLG are known to be pathogenic (PMID: 18546365). For these reasons, this variant has been classified as Pathogenic.

Literature cited by the submitters: PubMed 18546365 (cited by Labcorp Genetics (formerly Invitae), Labcorp).